The following is an entry in ClinVar:

NM_005664.4(MKRN3):c.795A>G (p.Ile265Met)

Gene: MKRN3 (makorin ring finger protein 3; plus strand). Cytogenetic location: 15q11.2.
Variant type: single nucleotide variant.
Coding change: c.795A>G on transcript NM_005664.4 (MANE Select); coding-DNA position 795, A replaced by G.
Protein change: p.Ile265Met; replaces isoleucine 265 with methionine.
Molecular consequence: missense variant.
Genome position (GRCh38, 1-based): chr15:23,566,577, A>G. VCF-style: chr15-23566577-A-G. GRCh37 (hg19) VCF-style: chr15-23811724-A-G.
Other names: short protein forms I265M.
Identifiers: ClinVar variation 2574340 (VCV002574340.3), dbSNP rs141387083, ClinGen allele CA7429468.

ClinVar aggregate classification (germline): Conflicting classifications of pathogenicity. Review status: criteria provided, conflicting classifications (1 of 4 stars). 3 submissions from 3 submitters: Uncertain significance (2); Likely benign (1). Last evaluated 2024-08-06.

Conditions:
Inborn genetic diseases. Identifiers: MedGen C0950123, MeSH D030342.

Allele frequency attached by ClinVar (database versions not stated): gnomAD exomes 0.00004; ExAC 0.00013; 1000 Genomes Project 30x 0.00031; 1000 Genomes Project 0.00040; gnomAD 0.00054; TOPMed 0.00055; ESP Exome Variant Server 0.00085.
gnomAD v4.1: 144 of 1,614,184 alleles (0.0089%); highest among the groups gnomAD compares: African/African-American, 0.17%; no homozygotes.

Submissions (3):

Blueprint Genetics
Classification: Likely benign. Last evaluated: 2024-08-06. Review status: criteria provided, single submitter. Criteria: ACMG Guidelines, 2015. Collection method: clinical testing. Allele origin: germline.

Ambry Genetics
Classification: Uncertain significance for Inborn genetic diseases. Last evaluated: 2024-01-31. Review status: criteria provided, single submitter. Criteria: Ambry Variant Classification Scheme 2023. Collection method: clinical testing. Allele origin: germline.

GeneDx
Classification: Uncertain significance. Last evaluated: 2023-01-25. Review status: criteria provided, single submitter. Criteria: GeneDx Variant Classification Process June 2021. Collection method: clinical testing. Allele origin: germline. Affected: yes.
Comment: In silico analysis supports that this missense variant does not alter protein structure/function; Has not been previously published as pathogenic or benign to our knowledge